The following is an entry in ClinVar:

NM_000138.5(FBN1):c.3568C>A (p.Pro1190Thr)

Gene: FBN1 (fibrillin 1; minus strand). Cytogenetic location: 15q21.1.
Variant type: single nucleotide variant.
Coding change: c.3568C>A on transcript NM_000138.5 (MANE Select); coding-DNA position 3568, C replaced by A.
Protein change: p.Pro1190Thr; replaces proline 1190 with threonine.
Molecular consequence: missense variant.
Genome position (GRCh38, 1-based): chr15:48,487,096, G>T on the plus strand (C>A on the coding strand, the complement: FBN1 is on the minus strand). VCF-style: chr15-48487096-G-T. GRCh37 (hg19) VCF-style: chr15-48779293-G-T.
Other names: c.3568C>A, p.Pro1190Thr (NM_001406716.1); short protein forms P1190T.
Identifiers: ClinVar variation 2926673 (VCV002926673.5), dbSNP rs2505549061, ClinGen allele CA392324938.

ClinVar aggregate classification (germline): Uncertain significance. Review status: criteria provided, multiple submitters, no conflicts (2 of 4 stars). 3 submissions from 3 submitters: Uncertain significance (3). Last evaluated 2025-07-14.

Conditions:
Marfan syndrome (MFS). Also called: MARFAN SYNDROME, TYPE I; Marfan syndrome type 1; Marfan's syndrome; Marfan syndrome, classic; FBN1-Related Marfan Syndrome. Identifiers: Orphanet 284963, Orphanet 558, MedGen C0024796, MONDO:0007947, OMIM 154700.
Familial thoracic aortic aneurysm and aortic dissection (TAAD). Also called: Thoracic aortic aneurysms and dissections. Identifiers: Orphanet 91387, MedGen C4707243, MONDO:0019625.

Submissions (3):

GeneDx
Classification: Uncertain significance. Last evaluated: 2025-07-14. Review status: criteria provided, single submitter. Criteria: GeneDx Variant Classification Process June 2021. Collection method: clinical testing. Allele origin: germline. Affected: yes.
Comment: Not observed at significant frequency in large population cohorts (gnomAD); In silico analysis supports that this missense variant has a deleterious effect on protein structure/function; Does not affect a cysteine or calcium-binding residue within an EGF-like domain or a TGF-binding protein domain of the FBN1 gene; cysteine substitutions in the EGF-like domains represent the majority of pathogenic missense changes associated with FBN1-related disorders (PMID: 12938084); Has not been previously published as pathogenic or benign to our knowledge; This variant is associated with the following publications: (PMID: 12938084)

All of Us Research Program, National Institutes of Health
Classification: Uncertain significance for Marfan syndrome. Last evaluated: 2024-08-23. Review status: criteria provided, single submitter. Criteria: ACMG Guidelines, 2015. Collection method: clinical testing. Allele origin: germline. Inheritance: Autosomal dominant inheritance. Observed: 1 variant allele, 1 heterozygote.
Comment: This missense variant replaces proline with threonine at codon 1190 of the FBN1 protein. Computational prediction suggests that this variant may not impact protein structure and function (internally defined REVEL score threshold <= 0.5, PMID: 27666373). To our knowledge, functional studies have not been reported for this variant. This variant has not been reported in individuals affected with FBN1-related disorders in the literature. This variant has not been identified in the general population by the Genome Aggregation Database (gnomAD). The available evidence is insufficient to determine the role of this variant in disease conclusively. Therefore, this variant is classified as a Variant of Uncertain Significance.

This study involves interpretation of variants in research participants for the purpose of population health screening. Participant phenotype was not available at the time of variant classification. Additional details can be found in publication PMID: 35346344, PMCID: PMC8962531

Labcorp Genetics (formerly Invitae), Labcorp
Classification: Uncertain significance for Marfan syndrome; Familial thoracic aortic aneurysm and aortic dissection. Last evaluated: 2024-01-21. Review status: criteria provided, single submitter. Criteria: Invitae Variant Classification Sherloc (09022015). Collection method: clinical testing. Allele origin: germline.
Comment: This sequence change replaces proline, which is neutral and non-polar, with threonine, which is neutral and polar, at codon 1190 of the FBN1 protein (p.Pro1190Thr). This variant is not present in population databases (gnomAD no frequency). This variant has not been reported in the literature in individuals affected with FBN1-related conditions. Advanced modeling of protein sequence and biophysical properties (such as structural, functional, and spatial information, amino acid conservation, physicochemical variation, residue mobility, and thermodynamic stability) has been performed at Invitae for this missense variant, however the output from this modeling did not meet the statistical confidence thresholds required to predict the impact of this variant on FBN1 protein function. In summary, the available evidence is currently insufficient to determine the role of this variant in disease. Therefore, it has been classified as a Variant of Uncertain Significance.